The following is an entry in ClinVar:

NM_001128178.3(NPHP1):c.329+1G>A

Gene: NPHP1 (nephrocystin 1; minus strand). Cytogenetic location: 2q13.
Variant type: single nucleotide variant.
Coding change: c.329+1G>A on transcript NM_001128178.3 (MANE Select); the canonical splice donor site of the intron after coding-DNA position 329, G replaced by A.
Molecular consequence: splice donor variant. On other transcripts: intron variant (1).
Genome position (GRCh38, 1-based): chr2:110,178,422, C>T on the plus strand (G>A on the coding strand, the complement: NPHP1 is on the minus strand). VCF-style: chr2-110178422-C-T. GRCh37 (hg19) VCF-style: chr2-110935999-C-T.
Other names: c.329+1G>A (NM_000272.3, NM_001374256.1, NM_001374257.1 and 2 more transcripts); c.144-8424G>A (NM_001128179.3).
Identifiers: ClinVar variation 286936 (VCV000286936.16), dbSNP rs376974221, ClinGen allele CA1827444.
Genomic context (GRCh38, chr2:110,178,422, plus strand): 5'-ATTAAAGCTATTGGTGATATATCTTTAAAAAAGAAAAAAGAAAGGTAGAAAGGAAGCATA[C>T]TCAGTTATATTTTCTCTGCTTATTGTCACAGCAAGGCCCTGCAGTTGTTGGGTAAGCTTG-3'

ClinVar aggregate classification (germline): Pathogenic/Likely pathogenic. Review status: criteria provided, multiple submitters, no conflicts (2 of 4 stars). 6 submissions from 6 submitters: Pathogenic (1); Likely pathogenic (5). Last evaluated 2026-08-28.

Conditions:
NPHP1-related disorder. Also called: NPHP1-related condition; NPHP1-related disorders.
Joubert syndrome and related disorders. Identifiers: Orphanet 140874, MedGen C5679612, MONDO:0015369.
Nephronophthisis. Also called: Juvenile Nephronophthisis. Identifiers: Orphanet 655, MedGen C0687120, MONDO:0019005, HP:0000090.
Nephronophthisis 1 (NPHP1). Also called: Nephronophthisis familial juvenile. Identifiers: Orphanet 655, Orphanet 93592, MedGen C1855681, MONDO:0009728, OMIM 256100.
Joubert syndrome with renal defect. Also called: JOUBERT SYNDROME 4. Identifiers: Orphanet 220497, MedGen C1846790, MONDO:0012308, OMIM 609583.
Senior-Loken syndrome 1 (SLSN1). Also called: JUVENILE NEPHRONOPHTHISIS WITH LEBER AMAUROSIS. Identifiers: Orphanet 3156, MedGen C4551559, MONDO:0009962, OMIM 266900.

Allele frequency attached by ClinVar (database versions not stated): gnomAD exomes below 0.00001; ExAC 0.00001; gnomAD 0.00001; TOPMed 0.00001; ESP Exome Variant Server 0.00008.
gnomAD v4.1: 3 of 1,613,498 alleles (0.00019%); highest among the groups gnomAD compares: Non-Finnish European, 0.00025%; no homozygotes.

Submissions (6):

PreventionGenetics, part of Exact Sciences
Classification: Likely pathogenic for NPHP1-related condition. Last evaluated: 2026-08-28. Review status: criteria provided, single submitter. Criteria: ACMG Guidelines, 2015. Collection method: clinical testing. Allele origin: germline.
Comment: The NPHP1 c.329+1G>A variant is predicted to disrupt the GT donor site and interfere with normal splicing. To our knowledge, this variant has not been reported in the literature in individuals affected with NPHP1-related conditions. This variant is reported in 0.00088% of alleles in individuals of European (Non-Finnish) descent in gnomAD. Variants that disrupt the consensus splice donor site in NPHP1 are expected to be pathogenic. This variant is interpreted as likely pathogenic.

Women's Health and Genetics/Laboratory Corporation of America, LabCorp
Classification: Likely pathogenic for Joubert syndrome and related disorders. Last evaluated: 2023-12-12. Review status: criteria provided, single submitter. Criteria: LabCorp Variant Classification Summary - May 2015. Collection method: clinical testing. Allele origin: germline.
Comment: Variant summary: NPHP1 c.329+1G>A is located in a canonical splice-site and is predicted to affect mRNA splicing resulting in a significantly altered protein due to either exon skipping, shortening, or inclusion of intronic material. Several computational tools predict a significant impact on normal splicing: One predict the variant abolishes a canonical 5' splicing donor site. However, these predictions have yet to be confirmed by functional studies. The variant allele was found at a frequency of 4e-06 in 251108 control chromosomes (gnomAD). To our knowledge, no occurrence of c.329+1G>A in individuals affected with Joubert Syndrome And Related Disorders and no experimental evidence demonstrating its impact on protein function have been reported. Three submitters have cited clinical-significance assessments for this variant to ClinVar after 2014. All submitters classified the variant as pathogenic/likely pathogenic. Based on the evidence outlined above, the variant was classified as likely pathogenic.

Baylor Genetics
Classification: Likely pathogenic for Joubert syndrome with renal defect. Last evaluated: 2023-05-24. Review status: criteria provided, single submitter. Criteria: ACMG Guidelines, 2015. Collection method: clinical testing. Allele origin: unknown.

Labcorp Genetics (formerly Invitae), Labcorp
Classification: Likely pathogenic for Nephronophthisis. Last evaluated: 2023-03-15. Review status: criteria provided, single submitter. Criteria: Invitae Variant Classification Sherloc (09022015). Collection method: clinical testing. Allele origin: germline.
Comment: In summary, the currently available evidence indicates that the variant is pathogenic, but additional data are needed to prove that conclusively. Therefore, this variant has been classified as Likely Pathogenic. Algorithms developed to predict the effect of sequence changes on RNA splicing suggest that this variant may disrupt the consensus splice site. ClinVar contains an entry for this variant (Variation ID: 286936). This variant has not been reported in the literature in individuals affected with NPHP1-related conditions. This variant is present in population databases (rs376974221, gnomAD 0.0009%). This sequence change affects a donor splice site in intron 4 of the NPHP1 gene. It is expected to disrupt RNA splicing. Variants that disrupt the donor or acceptor splice site typically lead to a loss of protein function (PMID: 16199547), and loss-of-function variants in NPHP1 are known to be pathogenic (PMID: 23559409).

Fulgent Genetics
Classification: Likely pathogenic for Nephronophthisis 1; Senior-Loken syndrome 1; Joubert syndrome with renal defect. Last evaluated: 2021-07-08. Review status: criteria provided, single submitter. Criteria: ACMG Guidelines, 2015. Collection method: clinical testing. Allele origin: unknown.

Eurofins Ntd Llc (ga)
Classification: Pathogenic. Last evaluated: 2016-03-16. Review status: criteria provided, single submitter. Criteria: EGL Classification Definitions 2015. Collection method: clinical testing. Allele origin: germline. Observed: 1 variant allele, 1 heterozygote.

Literature cited by the submitters: PubMed 16199547 (cited by Labcorp Genetics (formerly Invitae), Labcorp); PubMed 23559409 (cited by Labcorp Genetics (formerly Invitae), Labcorp).